The following is an entry in ClinVar:

ClinVar aggregate classification (germline): Benign. Review status: criteria provided, multiple submitters, no conflicts (2 of 4 stars). 3 submissions from 3 submitters: Benign (2). 1 of the submissions does not count toward it. Last evaluated 2018-11-12.

Conditions:
TRPM7-related disorder. Also called: TRPM7-related condition.

Allele frequency attached by ClinVar (database versions not stated): TOPMed 0.07093; 1000 Genomes Project 30x 0.07152; gnomAD 0.07205 and 0.07510; 1000 Genomes Project 0.07588; ESP Exome Variant Server 0.07920; gnomAD exomes 0.08601 and 0.10202; ExAC 0.09142.
gnomAD v4.1: 157,527 of 1,585,158 alleles (9.9%); highest among the groups gnomAD compares: East Asian, 13%; 8,662 homozygotes.

Submissions (3):

GeneDx
Classification: Benign. Last evaluated: 2018-11-12. Review status: criteria provided, single submitter. Criteria: GeneDx Variant Classification Process June 2021. Collection method: clinical testing. Allele origin: germline. Affected: yes.

Breakthrough Genomics
Classification: Benign. Review status: criteria provided, single submitter. Criteria: ACMG Guidelines, 2015. Collection method: not provided. Allele origin: germline. Inheritance: Autosomal dominant inheritance. Affected: yes.

PreventionGenetics, part of Exact Sciences
Classification: Benign for TRPM7-related condition. Last evaluated: 2024-08-26. Review status: no assertion criteria provided. Collection method: clinical testing. Allele origin: germline. Not counted in ClinVar's aggregate classification.
Comment: This variant is classified as benign based on ACMG/AMP sequence variant interpretation guidelines (Richards et al. 2015 PMID: 25741868, with internal and published modifications).

NM_017672.6(TRPM7):c.3174T>C (p.Asn1058=)

Gene: TRPM7 (transient receptor potential cation channel subfamily M member 7; minus strand). Cytogenetic location: 15q21.2.
Variant type: single nucleotide variant.
Coding change: c.3174T>C on transcript NM_017672.6 (MANE Select); coding-DNA position 3174, T replaced by C.
Protein change: p.Asn1058=; no amino-acid change (asparagine 1058 retained).
Molecular consequence: synonymous variant. On other transcripts: non-coding transcript variant (1).
Genome position (GRCh38, 1-based): chr15:50,596,371, A>G on the plus strand (T>C on the coding strand, the complement: TRPM7 is on the minus strand). VCF-style: chr15-50596371-A-G. GRCh37 (hg19) VCF-style: chr15-50888568-A-G.
Other names: c.3174T>C, p.Asn1058= (NM_001301212.2).
Identifiers: ClinVar variation 1283601 (VCV001283601.4), dbSNP rs543821, ClinGen allele CA7557231.